The following is an entry in ClinVar:

NM_182931.3(KMT2E):c.1943_1944insA (p.Thr648_Lys649insTer)

Gene: KMT2E (lysine methyltransferase 2E (inactive); plus strand). Cytogenetic location: 7q22.3.
Variant type: Insertion.
Coding change: c.1943_1944insA on transcript NM_182931.3 (MANE Select); coding-DNA positions 1943 to 1944, A inserted.
Protein change: p.Thr648_Lys649insTer.
Molecular consequence: frameshift variant.
Genome position: GRCh38 VCF-style: chr7-105101941-C-CA. GRCh37 (hg19) VCF-style: chr7-104742388-C-CA.
Other names: c.1943_1944insA, p.Thr648_Lys649insTer (NM_001410908.1, NM_018682.4).
Identifiers: ClinVar variation 4718110 (VCV004718110.1).

ClinVar aggregate classification (germline): Pathogenic (1 of 4 stars; one submission).

Submission:

Labcorp Genetics (formerly Invitae), Labcorp
Classification: Pathogenic. Last evaluated: 2025-04-28. Review status: criteria provided, single submitter. Criteria: Invitae Variant Classification Sherloc (09022015). Collection method: clinical testing. Allele origin: germline.
Comment: This sequence change creates a premature translational stop signal (p.Lys649*) in the KMT2E gene. It is expected to result in an absent or disrupted protein product. Loss-of-function variants in KMT2E are known to be pathogenic (PMID: 31079897). This variant is not present in population databases (gnomAD no frequency). This variant has not been reported in the literature in individuals affected with KMT2E-related conditions. For these reasons, this variant has been classified as Pathogenic.

Literature cited by the submitters: PubMed 31079897.